The following is an entry in ClinVar:

NM_001366385.1(CARD14):c.1490G>C (p.Trp497Ser)

Gene: CARD14 (caspase recruitment domain family member 14; plus strand). Cytogenetic location: 17q25.3.
Variant type: single nucleotide variant.
Coding change: c.1490G>C on transcript NM_001366385.1 (MANE Select); coding-DNA position 1490, G replaced by C.
Protein change: p.Trp497Ser; replaces tryptophan 497 with serine.
Molecular consequence: missense variant. On other transcripts: non-coding transcript variant (1).
Genome position (GRCh38, 1-based): chr17:80,195,324, G>C. VCF-style: chr17-80195324-G-C. GRCh37 (hg19) VCF-style: chr17-78169123-G-C.
Other names: c.1490G>C, p.Trp497Ser (NM_001257970.1, NM_024110.4); c.779G>C, p.Trp260Ser (NM_052819.3); short protein forms W260S, W497S.
Identifiers: ClinVar variation 970301 (VCV000970301.10), dbSNP rs2040672265, ClinGen allele CA401349232.

ClinVar aggregate classification (germline): Uncertain significance (1 of 4 stars; one submission).

Conditions:
Pityriasis rubra pilaris (PRP). Also called: Pityriasis rubra pilaris--familial type. Identifiers: Orphanet 2897, MedGen C0032027, MONDO:0100017, OMIM 173200, MONDO:0008251.
Psoriasis 2. Identifiers: MedGen C1864497, MONDO:0011269, OMIM 602723.

Submission:

Labcorp Genetics (formerly Invitae), Labcorp
Classification: Uncertain significance for Pityriasis rubra pilaris; Psoriasis 2. Last evaluated: 2019-11-11. Review status: criteria provided, single submitter. Criteria: Invitae Variant Classification Sherloc (09022015). Collection method: clinical testing. Allele origin: germline.
Comment: In summary, the available evidence is currently insufficient to determine the role of this variant in disease. Therefore, it has been classified as a Variant of Uncertain Significance. Algorithms developed to predict the effect of missense changes on protein structure and function output the following: SIFT: "Tolerated"; PolyPhen-2: "Benign"; Align-GVGD: "Class C0". The serine amino acid residue is found in multiple mammalian species, suggesting that this missense change does not adversely affect protein function. These predictions have not been confirmed by published functional studies and their clinical significance is uncertain. This variant has not been reported in the literature in individuals with CARD14-related conditions. This variant is not present in population databases (ExAC no frequency). This sequence change replaces tryptophan with serine at codon 497 of the CARD14 protein (p.Trp497Ser). The tryptophan residue is weakly conserved and there is a large physicochemical difference between tryptophan and serine.